The following is an entry in ClinVar:

NM_003072.5(SMARCA4):c.2035C>G (p.Pro679Ala)

Gene: SMARCA4 (SWI/SNF related BAF chromatin remodeling complex subunit ATPase 4; plus strand). Cytogenetic location: 19p13.2.
Variant type: single nucleotide variant.
Coding change: c.2035C>G on transcript NM_003072.5 (MANE Select); coding-DNA position 2035, C replaced by G.
Protein change: p.Pro679Ala; replaces proline 679 with alanine.
Molecular consequence: missense variant. On other transcripts: non-coding transcript variant (1).
Genome position (GRCh38, 1-based): chr19:11,007,935, C>G. VCF-style: chr19-11007935-C-G. GRCh37 (hg19) VCF-style: chr19-11118611-C-G.
Other names: c.2035C>G, p.Pro679Ala (NM_001128844.3, NM_001128845.2, NM_001128846.2 and 5 more transcripts); short protein forms P679A.
Identifiers: ClinVar variation 1061274 (VCV001061274.9), dbSNP rs770115402, ClinGen allele CA9203993.

ClinVar aggregate classification (germline): Uncertain significance (1 of 4 stars; one submission).

Conditions:
Rhabdoid tumor predisposition syndrome 2 (RTPS2). Identifiers: Orphanet 231108, Orphanet 69077, MedGen C2750074, MONDO:0013224, OMIM 613325.

Allele frequency attached by ClinVar (database versions not stated): gnomAD exomes below 0.00001; ExAC 0.00001.
gnomAD v4.1: 1 of 1,613,656 alleles (0.000062%); highest among the groups gnomAD compares: South Asian, 0.0011%; no homozygotes.

Submission:

Labcorp Genetics (formerly Invitae), Labcorp
Classification: Uncertain significance for Rhabdoid tumor predisposition syndrome 2. Last evaluated: 2026-01-13. Review status: criteria provided, single submitter. Criteria: Invitae Variant Classification Sherloc (09022015). Collection method: clinical testing. Allele origin: germline.
Comment: This sequence change replaces proline, which is neutral and non-polar, with alanine, which is neutral and non-polar, at codon 679 of the SMARCA4 protein (p.Pro679Ala). This variant is present in population databases (rs770115402, gnomAD 0.003%). This variant has not been reported in the literature in individuals affected with SMARCA4-related conditions. ClinVar contains an entry for this variant (Variation ID: 1061274). An algorithm developed to predict the effect of missense changes on protein structure and function (PolyPhen-2) suggests that this variant is likely to be tolerated. In summary, the available evidence is currently insufficient to determine the role of this variant in disease. Therefore, it has been classified as a Variant of Uncertain Significance.